The following is an entry in ClinVar:

ClinVar aggregate classification (germline): Conflicting classifications of pathogenicity. Review status: criteria provided, conflicting classifications (1 of 4 stars). 4 submissions from 4 submitters: Uncertain significance (3); Benign (1). Last evaluated 2025-05-12.

Conditions:
Inborn genetic diseases. Identifiers: MedGen C0950123, MeSH D030342.
Developmental and epileptic encephalopathy, 18 (DEE18). Also called: Early infantile epileptic encephalopathy 18. Identifiers: Orphanet 369894, MedGen C3809624, MONDO:0014201, OMIM 615476.

Allele frequency attached by ClinVar (database versions not stated): TOPMed 0.00001; gnomAD 0.00003; gnomAD exomes 0.00004; ExAC 0.00006.
gnomAD v4.1: 62 of 1,613,900 alleles (0.0038%); highest among the groups gnomAD compares: South Asian, 0.03%; no homozygotes.

Submissions (4):

Labcorp Genetics (formerly Invitae), Labcorp
Classification: Benign. Last evaluated: 2025-05-12. Review status: criteria provided, single submitter. Criteria: Invitae Variant Classification Sherloc (09022015). Collection method: clinical testing. Allele origin: germline.

Ambry Genetics
Classification: Uncertain significance for Inborn genetic diseases. Last evaluated: 2023-07-14. Review status: criteria provided, single submitter. Criteria: Ambry Variant Classification Scheme 2023. Collection method: clinical testing. Allele origin: germline.

Mayo Clinic Laboratories, Mayo Clinic
Classification: Uncertain significance. Last evaluated: 2022-08-29. Review status: criteria provided, single submitter. Criteria: ACMG Guidelines, 2015. Collection method: clinical testing. Allele origin: germline. Observed: 1 variant allele.
Comment: BP4

New York Genome Center
Classification: Uncertain significance for Developmental and epileptic encephalopathy, 18. Last evaluated: 2020-06-26. Review status: criteria provided, single submitter. Criteria: NYGC Assertion Criteria 2020. Collection method: clinical testing. Allele origin: inherited. Observed: 1 heterozygote. Study: CSER-NYCKidSeq.

NM_001365999.1(SZT2):c.6335C>T (p.Ala2112Val)

Gene: SZT2 (SZT2 subunit of KICSTOR complex; plus strand). Cytogenetic location: 1p34.2.
Variant type: single nucleotide variant.
Coding change: c.6335C>T on transcript NM_001365999.1 (MANE Select); coding-DNA position 6335, C replaced by T.
Protein change: p.Ala2112Val; replaces alanine 2112 with valine.
Molecular consequence: missense variant.
Genome position (GRCh38, 1-based): chr1:43,437,639, C>T. VCF-style: chr1-43437639-C-T. GRCh37 (hg19) VCF-style: chr1-43903310-C-T.
Other names: p.Ala2055Val; c.6164C>T, p.Ala2055Val (NM_015284.4); short protein forms A2055V, A2112V.
Identifiers: ClinVar variation 590023 (VCV000590023.17), dbSNP rs746338306, ClinGen allele CA809848.
Genomic context (GRCh38, chr1:43,437,639, plus strand): 5'-TGCTGCTCTTTCCCAGGCTCCTAGAGACATCCTGCAGTGACCGGCCATGGAAAGGGGATG[C>T]GCTGCCCCCTTCCCTCGCTCTGTCCCGAAGCCAAGAGCCCATCTACTCTGAGGAAGCCTC-3'
Protein context (NP_001352928.1, residues 2102-2122): SCSDRPWKGD[Ala2112Val]LPPSLALSRS